The following is an entry in ClinVar:

NC_000023.10:g.(31854937_31893304)_(32305819_32328198)del

Gene: DMD (dystrophin; minus strand). Cytogenetic location: Xp21.1.
Variant type: Deletion.
Identifiers: ClinVar variation 1339746 (VCV001339746.1).

ClinVar aggregate classification (germline): Likely pathogenic (1 of 4 stars; one submission).

Conditions:
Neuromuscular disease caused by qualitative or quantitative defects of dystrophin. Also called: Qualitative or quantitative defects of dystrophin. Identifiers: Orphanet 207085, MedGen C5679787, MONDO:0016147.

Submission:

Women's Health and Genetics/Laboratory Corporation of America, LabCorp
Classification: Likely pathogenic for Neuromuscular disease caused by qualitative or quantitative defects of dystrophin. Last evaluated: 2022-01-27. Review status: criteria provided, single submitter. Criteria: LabCorp Variant Classification Summary - May 2015. Collection method: clinical testing. Allele origin: germline.
Comment: Variant summary: The variant identified by MLPA or other technology involves the deletion of exons 43-48 in the DMD gene. A presumed nomenclature of c.(6117+1_6118-1)_(7098+1_7099-1)del has been designated for the purposes of this classification. Although exact breakpoints of this deletion are not known, it is expected to result in a large in-frame deletion change in the DMD gene (DOVE database, p.Asn2039_Glu2366del), a known mechanism of disease. The variant was absent in 16120 control chromosomes (gnomAD SVs). To our knowledge, no occurrence of c.(6117+1_6118-1)_(7098+1_7099-1)del in individuals affected with Dystrophinopathies and no experimental evidence demonstrating its impact on protein function have been reported. No clinical diagnostic laboratories have submitted clinical-significance assessments for this variant to ClinVar after 2014. Based on the evidence outlined above, the variant was classified as likely pathogenic.